The following is an entry in ClinVar:

NM_014921.5(ADGRL1):c.342C>G (p.Pro114=)

Genes: ADGRL1 (adhesion G protein-coupled receptor L1; minus strand), ADGRL1-AS1 (ADGRL1 antisense RNA 1; plus strand). Cytogenetic location: 19p13.12.
Variant type: single nucleotide variant.
Coding change: c.342C>G on transcript NM_014921.5 (MANE Select); coding-DNA position 342, C replaced by G.
Protein change: p.Pro114=; no amino-acid change (proline 114 retained).
Molecular consequence: synonymous variant. On other transcripts: non-coding transcript variant (1).
Genome position (GRCh38, 1-based): chr19:14,170,734, G>C on the plus strand (C>G on the coding strand, the complement: ADGRL1 is on the minus strand). VCF-style: chr19-14170734-G-C. GRCh37 (hg19) VCF-style: chr19-14281546-G-C.
Other names: c.342C>G, p.Pro114= (NM_001008701.3).
Identifiers: ClinVar variation 4822633 (VCV004822633.4).

ClinVar aggregate classification (germline): Likely benign (1 of 4 stars; one submission).

Submission:

CeGaT Center for Human Genetics Tuebingen
Classification: Likely benign. Last evaluated: 2026-03-01. Review status: criteria provided, single submitter. Criteria: CeGaT Center For Human Genetics Tuebingen Variant Classification Criteria Version 2. Collection method: clinical testing. Allele origin: germline. Affected: yes. Observed: 1 variant allele.
Comment: ADGRL1: PM2:Supporting, BP4, BP7